The following is an entry in ClinVar:

ClinVar aggregate classification (germline): Uncertain significance (1 of 4 stars; one submission).

Submission:

Labcorp Genetics (formerly Invitae), Labcorp
Classification: Uncertain significance. Last evaluated: 2026-01-14. Review status: criteria provided, single submitter. Criteria: Invitae Variant Classification Sherloc (09022015). Collection method: clinical testing. Allele origin: germline.
Comment: This sequence change replaces tryptophan, which is neutral and slightly polar, with cysteine, which is neutral and slightly polar, at codon 237 of the SLC20A2 protein (p.Trp237Cys). This variant is not present in population databases (gnomAD no frequency). This variant has not been reported in the literature in individuals affected with SLC20A2-related conditions. ClinVar contains an entry for this variant (Variation ID: 2851759). Invitae Evidence Modeling of protein sequence and biophysical properties (such as structural, functional, and spatial information, amino acid conservation, physicochemical variation, residue mobility, and thermodynamic stability) indicates that this missense variant is not expected to disrupt SLC20A2 protein function with a negative predictive value of 95%. In summary, the available evidence is currently insufficient to determine the role of this variant in disease. Therefore, it has been classified as a Variant of Uncertain Significance.

NM_001257180.2(SLC20A2):c.711G>C (p.Trp237Cys)

Gene: SLC20A2 (solute carrier family 20 member 2; minus strand). Cytogenetic location: 8p11.21.
Variant type: single nucleotide variant.
Coding change: c.711G>C on transcript NM_001257180.2 (MANE Select); coding-DNA position 711, G replaced by C.
Protein change: p.Trp237Cys; replaces tryptophan 237 with cysteine.
Molecular consequence: missense variant.
Genome position (GRCh38, 1-based): chr8:42,444,665, C>G on the plus strand (G>C on the coding strand, the complement: SLC20A2 is on the minus strand). VCF-style: chr8-42444665-C-G. GRCh37 (hg19) VCF-style: chr8-42302183-C-G.
Other names: c.711G>C, p.Trp237Cys (NM_001257181.2, NM_006749.5); short protein forms W237C.
Identifiers: ClinVar variation 2851759 (VCV002851759.3), dbSNP rs1805060883, ClinGen allele CA371081912.